The following is an entry in ClinVar:

ClinVar aggregate classification (germline): Uncertain significance (1 of 4 stars; one submission).

Submission:

Labcorp Genetics (formerly Invitae), Labcorp
Classification: Uncertain significance. Last evaluated: 2022-08-08. Review status: criteria provided, single submitter. Criteria: Invitae Variant Classification Sherloc (09022015). Collection method: clinical testing. Allele origin: germline.
Comment: This variant has not been reported in the literature in individuals affected with SCN3A-related conditions. This variant is not present in population databases (gnomAD no frequency). This sequence change replaces alanine, which is neutral and non-polar, with proline, which is neutral and non-polar, at codon 1817 of the SCN3A protein (p.Ala1817Pro). In summary, the available evidence is currently insufficient to determine the role of this variant in disease. Therefore, it has been classified as a Variant of Uncertain Significance. Algorithms developed to predict the effect of missense changes on protein structure and function are either unavailable or do not agree on the potential impact of this missense change (SIFT: "Deleterious"; PolyPhen-2: "Probably Damaging"; Align-GVGD: "Class C0").

NM_006922.4(SCN3A):c.5449G>C (p.Ala1817Pro)

Gene: SCN3A (sodium voltage-gated channel alpha subunit 3; minus strand). Cytogenetic location: 2q24.3.
Variant type: single nucleotide variant.
Coding change: c.5449G>C on transcript NM_006922.4 (MANE Select); coding-DNA position 5449, G replaced by C.
Protein change: p.Ala1817Pro; replaces alanine 1817 with proline.
Molecular consequence: missense variant.
Genome position (GRCh38, 1-based): chr2:165,090,704, C>G on the plus strand (G>C on the coding strand, the complement: SCN3A is on the minus strand). VCF-style: chr2-165090704-C-G. GRCh37 (hg19) VCF-style: chr2-165947214-C-G.
Other names: c.5302G>C, p.Ala1768Pro (NM_001081676.2, NM_001081677.2); short protein forms A1768P, A1817P.
Identifiers: ClinVar variation 1715557 (VCV001715557.5), dbSNP rs2468038844, ClinGen allele CA349014331.